The following is an entry in ClinVar:

NM_000784.4(CYP27A1):c.976A>G (p.Met326Val)

Gene: CYP27A1 (cytochrome P450 family 27 subfamily A member 1; plus strand). Cytogenetic location: 2q35.
Variant type: single nucleotide variant.
Coding change: c.976A>G on transcript NM_000784.4 (MANE Select); coding-DNA position 976, A replaced by G.
Protein change: p.Met326Val; replaces methionine 326 with valine.
Molecular consequence: missense variant.
Genome position (GRCh38, 1-based): chr2:218,813,055, A>G. VCF-style: chr2-218813055-A-G. GRCh37 (hg19) VCF-style: chr2-219677778-A-G.
Other names: short protein forms M326V.
Identifiers: ClinVar variation 1768128 (VCV001768128.6), dbSNP rs902027153, ClinGen allele CA65833759.
Genomic context (GRCh38, chr2:218,813,055, plus strand): 5'-CAGGTGTCTGGCTACCTGCACTTCTTACTGGCCAGTGGACAGCTCAGTCCTCGGGAGGCC[A>G]TGGGCAGCCTGCCTGAGCTGCTCATGGCTGGAGTGGACACGGTGCGTGAAGGGGGAGGGT-3'
Protein context (NP_000775.1, residues 316-336): ASGQLSPREA[Met326Val]GSLPELLMAG

ClinVar aggregate classification (germline): Uncertain significance. Review status: criteria provided, multiple submitters, no conflicts (2 of 4 stars). 3 submissions from 3 submitters: Uncertain significance (3). Last evaluated 2024-10-30.

Conditions:
Cholestanol storage disease (CTX). Also called: CEREBRAL CHOLESTERINOSIS; Cerebrotendinous Xanthomatosis; CTX: Cerebrotendinous xanthomatosis. Identifiers: Orphanet 909, MedGen C0238052, MONDO:0008948, OMIM 213700.
Cardiovascular phenotype. Identifiers: MedGen CN230736.

Allele frequency attached by ClinVar (database versions not stated): gnomAD exomes 0.00001; TOPMed 0.00002.
gnomAD v4.1: 3 of 1,614,010 alleles (0.00019%); highest among the groups gnomAD compares: Non-Finnish European, 0.00025%; no homozygotes.

Submissions (3):

GeneDx
Classification: Uncertain significance. Last evaluated: 2024-10-30. Review status: criteria provided, single submitter. Criteria: GeneDx Variant Classification Process June 2021. Collection method: clinical testing. Allele origin: germline. Affected: yes.
Comment: Not observed at significant frequency in large population cohorts (gnomAD); In silico analysis indicates that this missense variant does not alter protein structure/function; Has not been previously published as pathogenic or benign to our knowledge

Labcorp Genetics (formerly Invitae), Labcorp
Classification: Uncertain significance for Cholestanol storage disease. Last evaluated: 2022-09-27. Review status: criteria provided, single submitter. Criteria: Invitae Variant Classification Sherloc (09022015). Collection method: clinical testing. Allele origin: germline.
Comment: This sequence change replaces methionine, which is neutral and non-polar, with valine, which is neutral and non-polar, at codon 326 of the CYP27A1 protein (p.Met326Val). In summary, the available evidence is currently insufficient to determine the role of this variant in disease. Therefore, it has been classified as a Variant of Uncertain Significance. Advanced modeling of protein sequence and biophysical properties (such as structural, functional, and spatial information, amino acid conservation, physicochemical variation, residue mobility, and thermodynamic stability) performed at Invitae indicates that this missense variant is not expected to disrupt CYP27A1 protein function. This variant has not been reported in the literature in individuals affected with CYP27A1-related conditions. This variant is present in population databases (no rsID available, gnomAD 0.0009%).

Ambry Genetics
Classification: Uncertain significance for Cardiovascular phenotype. Last evaluated: 2022-04-03. Review status: criteria provided, single submitter. Criteria: Ambry Variant Classification Scheme 2023. Collection method: clinical testing. Allele origin: germline.
Comment: The p.M326V variant (also known as c.976A>G), located in coding exon 5 of the CYP27A1 gene, results from an A to G substitution at nucleotide position 976. The methionine at codon 326 is replaced by valine, an amino acid with highly similar properties. This amino acid position is conserved. In addition, this alteration is predicted to be tolerated by in silico analysis. Since supporting evidence is limited at this time, the clinical significance of this alteration remains unclear.